The following is an entry in ClinVar:

NM_032977.4(CASP10):c.763G>A (p.Gly255Arg)

Gene: CASP10 (caspase 10; plus strand). Cytogenetic location: 2q33.1.
Variant type: single nucleotide variant.
Coding change: c.763G>A on transcript NM_032977.4 (MANE Select); coding-DNA position 763, G replaced by A.
Protein change: p.Gly255Arg; replaces glycine 255 with arginine.
Molecular consequence: missense variant. On other transcripts: intron variant (4).
Genome position (GRCh38, 1-based): chr2:201,205,923, G>A. VCF-style: chr2-201205923-G-A. GRCh37 (hg19) VCF-style: chr2-202070646-G-A.
Other names: c.763G>A, p.Gly255Arg (NM_032974.5); c.685-2152G>A (NM_001206542.2, NM_001230.5); c.722-2152G>A (NM_032976.4); c.721+2157G>A (NM_001206524.2); c.763G>A (NM_032977.3); short protein forms G255R.
Identifiers: ClinVar variation 1508047 (VCV001508047.7), dbSNP rs746191869, ClinGen allele CA2053042.
Genomic context (GRCh38, chr2:201,205,923, plus strand): 5'-TGAGTACCTCTCTTTCTAGGTAACAGAGCCACAAATGGTGCACCAAGCCTGGTCTCCAGG[G>A]GGATGCAAGGAGCATCTGCTAACACTCTAAACTCTGAAACCAGCACAAAGGTCTGGATGG-3'
Protein context (NP_116759.2, residues 245-265): TNGAPSLVSR[Gly255Arg]MQGASANTLN

ClinVar aggregate classification (germline): Uncertain significance. Review status: criteria provided, multiple submitters, no conflicts (2 of 4 stars). 2 submissions from 2 submitters: Uncertain significance (2). Last evaluated 2025-09-21.

Conditions:
Autoimmune lymphoproliferative syndrome type 2A (ALPS2A). Also called: CASP10-Related Autoimmune Lymphoproliferative Syndrome; Autoimmune lymphoproliferative syndrome type 2; AUTOIMMUNE LYMPHOPROLIFERATIVE SYNDROME, TYPE IIA. Identifiers: Orphanet 3261, MedGen C1858968, MONDO:0011383, OMIM 603909.

Allele frequency attached by ClinVar (database versions not stated): gnomAD 0.00001; ExAC 0.00002; gnomAD exomes 0.00002; TOPMed 0.00002.
gnomAD v4.1: 10 of 1,613,350 alleles (0.00062%); highest among the groups gnomAD compares: Middle Eastern, 0.016%; no homozygotes.

Submissions (2):

Ambry Genetics
Classification: Uncertain significance. Last evaluated: 2025-09-21. Review status: criteria provided, single submitter. Criteria: Ambry Variant Classification Scheme 2023. Collection method: clinical testing. Allele origin: germline.

Labcorp Genetics (formerly Invitae), Labcorp
Classification: Uncertain significance for Autoimmune lymphoproliferative syndrome type 2A. Last evaluated: 2024-10-22. Review status: criteria provided, single submitter. Criteria: Invitae Variant Classification Sherloc (09022015). Collection method: clinical testing. Allele origin: germline.
Comment: This sequence change replaces glycine, which is neutral and non-polar, with arginine, which is basic and polar, at codon 255 of the CASP10 protein (p.Gly255Arg). This variant is present in population databases (rs746191869, gnomAD 0.004%). This variant has not been reported in the literature in individuals affected with CASP10-related conditions. ClinVar contains an entry for this variant (Variation ID: 1508047). Invitae Evidence Modeling of protein sequence and biophysical properties (such as structural, functional, and spatial information, amino acid conservation, physicochemical variation, residue mobility, and thermodynamic stability) indicates that this missense variant is not expected to disrupt CASP10 protein function with a negative predictive value of 80%. In summary, the available evidence is currently insufficient to determine the role of this variant in disease. Therefore, it has been classified as a Variant of Uncertain Significance.